The following is an entry in ClinVar:

ClinVar aggregate classification (germline): Uncertain significance (1 of 4 stars; one submission).

Allele frequency attached by ClinVar (database versions not stated): gnomAD 0.00001; gnomAD exomes 0.00001; TOPMed 0.00002.
gnomAD v4.1: 12 of 1,555,386 alleles (0.00077%); highest among the groups gnomAD compares: Non-Finnish European, 0.001%; no homozygotes.

Submission:

Labcorp Genetics (formerly Invitae), Labcorp
Classification: Uncertain significance. Last evaluated: 2022-10-13. Review status: criteria provided, single submitter. Criteria: Invitae Variant Classification Sherloc (09022015). Collection method: clinical testing. Allele origin: germline.
Comment: In summary, the available evidence is currently insufficient to determine the role of this variant in disease. Therefore, it has been classified as a Variant of Uncertain Significance. Algorithms developed to predict the effect of sequence changes on RNA splicing suggest that this variant may create or strengthen a splice site. ClinVar contains an entry for this variant (Variation ID: 1418541). This variant has not been reported in the literature in individuals affected with PROM1-related conditions. This variant is not present in population databases (gnomAD no frequency). This sequence change affects codon 807 of the PROM1 mRNA. It is a 'silent' change, meaning that it does not change the encoded amino acid sequence of the PROM1 protein.

NM_006017.3(PROM1):c.2421G>A (p.Pro807=)

Gene: PROM1 (prominin 1; minus strand). Cytogenetic location: 4p15.32.
Variant type: single nucleotide variant.
Coding change: c.2421G>A on transcript NM_006017.3 (MANE Select); coding-DNA position 2421, G replaced by A.
Protein change: p.Pro807=; no amino-acid change (proline 807 retained).
Molecular consequence: synonymous variant.
Genome position (GRCh38, 1-based): chr4:15,980,490, C>T on the plus strand (G>A on the coding strand, the complement: PROM1 is on the minus strand). VCF-style: chr4-15980490-C-T. GRCh37 (hg19) VCF-style: chr4-15982113-C-T.
Other names: c.2394G>A, p.Pro798= (NM_001145847.2, NM_001145848.2, NM_001145851.2 and 4 more transcripts); c.2421G>A, p.Pro807= (NM_001145849.2, NM_001145850.2).
Identifiers: ClinVar variation 1418541 (VCV001418541.6), dbSNP rs1168993426, ClinGen allele CA438381155.